The following is an entry in ClinVar:

ClinVar aggregate classification (germline): Likely pathogenic. Review status: reviewed by expert panel (3 of 4 stars). 2 submissions from 2 submitters: Likely pathogenic (1). 1 of the submissions does not count toward it. Last evaluated 2024-12-17.

Conditions:
Glanzmann thrombasthenia. Also called: BLEEDING DISORDER, PLATELET-TYPE, 2; THROMBASTHENIA OF GLANZMANN AND NAEGELI; Thrombasthenia; PLATELET GLYCOPROTEIN IIb-IIIa DEFICIENCY; Glanzmann's thrombasthenia. Identifiers: Orphanet 849, MedGen C0040015, MONDO:0100326.

Allele frequency attached by ClinVar (database versions not stated): gnomAD 0.00001; gnomAD exomes 0.00002.
gnomAD v4.1: 18 of 1,054,712 alleles (0.0017%); highest among the groups gnomAD compares: Non-Finnish European, 0.0025%; no homozygotes.

Submissions (2):

ClinGen Platelet Disorders Variant Curation Expert Panel, ClinGen
Classification: Likely pathogenic for Glanzmann thrombasthenia. Last evaluated: 2024-12-17. Review status: reviewed by expert panel. Criteria: ClinGen Platelet ACMG Specifications v2-1. Collection method: curation. Allele origin: germline. Inheritance: Autosomal recessive inheritance.
Comment: The NM_000419.5(ITGA2B):c.1210+105A>G intronic variant is predicted, by SpliceAI (score 0.89), to cause gain of a donor splice site in intron 12. Electrophoresis gel results of PCR amplicons of platelet cDNA from patient TGP0060 confirmed that aberrant splicing occurred, and Sanger sequencing of the aberrant splice products found two mRNAs, one with a deletion of all of exon 13 coding sequence (p.Ile405_Asp465del) and the second with a 123 bp deletion (41 amino acids) in the exon 13 coding sequence (PM4; PMID: 31064749). The highest population minor allele frequency in gnomAD v4.1 is 0.00002539 (18/708848 alleles) in the European population, which is lower than the ClinGen PD VCEP threshold (<0.0001; PM2_Supporting). This variant has been reported in two Glanzmann thrombasthenia patients, homozygote TGP0060 of PMID: 31064749 (PM3_supporting) and compound heterozygote GT10 in PMID:25373348 (in trans with Likely Pathogenic variant c.3091del). At least one patient (Patient GT10 in PMID:25373348) with this variant displayed mucocutaneous bleeding and impaired aggregation with all agonists except ristocetin, which is highly specific for Glanzmann thrombasthenia. Additionally, αIIbβ3 surface expression was severely reduced, as measured by flow cytometry. ITGA2B and ITGB3 were sequenced across all exons and intron/exon boundaries (PP4_strong). In summary this variant meets criteria to be classified as Likely Pathogenic for autosomal recessive Glanzmann Thrombasthenia based on the ACMG/AMP criteria applied, as specified by the ClinGen PD VCEP: PP4_strong, PM2_supporting, PM3_supporting, PM4. (VCEP specifications version 2)

NIHR Bioresource Rare Diseases, University of Cambridge
Classification: Uncertain significance for Glanzmann thrombasthenia 1. Last evaluated: 2019-02-01. Review status: criteria provided, single submitter. Criteria: ACMG Guidelines, 2015. Collection method: research. Allele origin: unknown. Affected: yes. Observed: 1 homozygote. Study: ThromboGenomics. Not counted in ClinVar's aggregate classification.

Literature cited by the submitters: PubMed 31064749 (cited by NIHR Bioresource Rare Diseases, University of Cambridge).

NM_000419.5(ITGA2B):c.1210+105A>G

Gene: ITGA2B (integrin subunit alpha 2b; minus strand). Cytogenetic location: 17q21.31.
Variant type: single nucleotide variant.
Coding change: c.1210+105A>G on transcript NM_000419.5 (MANE Select); 105 bases into the intron after coding-DNA position 1210, A replaced by G.
Molecular consequence: intron variant.
Genome position (GRCh38, 1-based): chr17:44,383,388, T>C on the plus strand (A>G on the coding strand, the complement: ITGA2B is on the minus strand). VCF-style: chr17-44383388-T-C. GRCh37 (hg19) VCF-style: chr17-42460756-T-C.
Other names: c.1210+105A>G (LRG_479t1).
Identifiers: ClinVar variation 626980 (VCV000626980.4), dbSNP rs992856733, ClinGen allele CA290953790.